The following is an entry in ClinVar:

ClinVar aggregate classification (germline): Uncertain significance (1 of 4 stars; one submission).

Submission:

Labcorp Genetics (formerly Invitae), Labcorp
Classification: Uncertain significance. Last evaluated: 2022-03-22. Review status: criteria provided, single submitter. Criteria: Invitae Variant Classification Sherloc (09022015). Collection method: clinical testing. Allele origin: germline.
Comment: This variant has not been reported in the literature in individuals affected with TYMP-related conditions. In summary, the available evidence is currently insufficient to determine the role of this variant in disease. Therefore, it has been classified as a Variant of Uncertain Significance. Advanced modeling of protein sequence and biophysical properties (such as structural, functional, and spatial information, amino acid conservation, physicochemical variation, residue mobility, and thermodynamic stability) performed at Invitae indicates that this missense variant is not expected to disrupt TYMP protein function. This variant is not present in population databases (gnomAD no frequency). This sequence change replaces leucine, which is neutral and non-polar, with valine, which is neutral and non-polar, at codon 424 of the TYMP protein (p.Leu424Val).

NM_001953.5(TYMP):c.1270C>G (p.Leu424Val)

Genes: SCO2 (synthesis of cytochrome C oxidase 2; minus strand), TYMP (thymidine phosphorylase; minus strand), LOC130067862 (ATAC-STARR-seq lymphoblastoid silent region 13986; plus strand). Cytogenetic location: 22q13.33.
Variant type: single nucleotide variant.
Coding change: c.1270C>G on transcript NM_001953.5 (MANE Select); coding-DNA position 1270, C replaced by G.
Protein change: p.Leu424Val; replaces leucine 424 with valine.
Molecular consequence: missense variant. On other transcripts: 5 prime UTR variant (1), intron variant (1).
Genome position (GRCh38, 1-based): chr22:50,526,031, G>C on the plus strand (C>G on the coding strand, the complement: TYMP is on the minus strand). VCF-style: chr22-50526031-G-C. GRCh37 (hg19) VCF-style: chr22-50964460-G-C.
Other names: c.1270C>G, p.Leu424Val (NM_001113755.3, NM_001113756.3, NM_001257988.1); c.1285C>G, p.Leu429Val (NM_001257989.1); c.-44C>G (NM_001169110.1); c.-14+215C>G (NM_001169109.2); short protein forms L424V, L429V.
Identifiers: ClinVar variation 2109216 (VCV002109216.4), dbSNP rs1569522033, ClinGen allele CA412196788.